The following is an entry in ClinVar:

NM_005263.5(GFI1):c.401A>C (p.His134Pro)

Gene: GFI1 (growth factor independent 1 transcriptional repressor; minus strand). Cytogenetic location: 1p22.1.
Variant type: single nucleotide variant.
Coding change: c.401A>C on transcript NM_005263.5 (MANE Select); coding-DNA position 401, A replaced by C.
Protein change: p.His134Pro; replaces histidine 134 with proline.
Molecular consequence: missense variant.
Genome position (GRCh38, 1-based): chr1:92,480,986, T>G on the plus strand (A>C on the coding strand, the complement: GFI1 is on the minus strand). VCF-style: chr1-92480986-T-G. GRCh37 (hg19) VCF-style: chr1-92946543-T-G.
Other names: c.401A>C, p.His134Pro (NM_001127215.3, NM_001127216.3); short protein forms H134P.
Identifiers: ClinVar variation 998719 (VCV000998719.8), dbSNP rs1475018499, ClinGen allele CA341149915.
Genomic context (GRCh38, chr1:92,480,986, plus strand): 5'-AAGAGGCCCAGGCCAGCGCCACGCTCCAGGGCCCCACACGGTCGGTAGCTCTGCACCAGG[T>G]GCCGCAGGTCAGAACCCGCCAGGCCGCTCCATGAGTACGGTTTGAAAGGCAGGGGGAAGG-3'
Protein context (NP_005254.2, residues 124-144): WSGLAGSDLR[His134Pro]LVQSYRPCGA

ClinVar aggregate classification (germline): Uncertain significance (1 of 4 stars; one submission).

Conditions:
Neutropenia, severe congenital, 2, autosomal dominant. Identifiers: Orphanet 486, MedGen C2751288, MONDO:0013139, OMIM 613107.

Allele frequency attached by ClinVar (database versions not stated): gnomAD exomes below 0.00001 and 0.00001; TOPMed below 0.00001; gnomAD 0.00001.
gnomAD v4.1: 4 of 1,606,484 alleles (0.00025%); highest among the groups gnomAD compares: East Asian, 0.009%; no homozygotes.

Submission:

Labcorp Genetics (formerly Invitae), Labcorp
Classification: Uncertain significance for Neutropenia, severe congenital, 2, autosomal dominant. Last evaluated: 2022-07-18. Review status: criteria provided, single submitter. Criteria: Invitae Variant Classification Sherloc (09022015). Collection method: clinical testing. Allele origin: germline.
Comment: This variant is present in population databases (no rsID available, gnomAD 0.01%). This sequence change replaces histidine, which is basic and polar, with proline, which is neutral and non-polar, at codon 134 of the GFI1 protein (p.His134Pro). In summary, the available evidence is currently insufficient to determine the role of this variant in disease. Therefore, it has been classified as a Variant of Uncertain Significance. Algorithms developed to predict the effect of missense changes on protein structure and function (SIFT, PolyPhen-2, Align-GVGD) all suggest that this variant is likely to be tolerated. ClinVar contains an entry for this variant (Variation ID: 998719). This variant has not been reported in the literature in individuals affected with GFI1-related conditions.